The following is an entry in ClinVar:

NM_004064.5(CDKN1B):c.372C>A (p.Asn124Lys)

Gene: CDKN1B (cyclin dependent kinase inhibitor 1B; plus strand). Cytogenetic location: 12p13.1.
Variant type: single nucleotide variant.
Coding change: c.372C>A on transcript NM_004064.5 (MANE Select); coding-DNA position 372, C replaced by A.
Protein change: p.Asn124Lys; replaces asparagine 124 with lysine.
Molecular consequence: missense variant.
Genome position (GRCh38, 1-based): chr12:12,718,211, C>A. VCF-style: chr12-12718211-C-A. GRCh37 (hg19) VCF-style: chr12-12871145-C-A.
Other names: short protein forms N124K.
Identifiers: ClinVar variation 578370 (VCV000578370.14), dbSNP rs760081465, ClinGen allele CA6457479.

ClinVar aggregate classification (germline): Uncertain significance. Review status: criteria provided, multiple submitters, no conflicts (2 of 4 stars). 3 submissions from 3 submitters: Uncertain significance (3). Last evaluated 2025-12-11.

Conditions:
Multiple endocrine neoplasia type 4. Also called: MULTIPLE ENDOCRINE NEOPLASIA, TYPE IV. Identifiers: Orphanet 276152, MedGen C1970712, MONDO:0012552, OMIM 610755.
Hereditary cancer-predisposing syndrome. Also called: Hereditary neoplastic syndrome; Tumor predisposition; Hereditary Cancer Syndrome; Neoplastic Syndromes, Hereditary. Identifiers: Orphanet 140162, MedGen C0027672, MeSH D009386, MONDO:0015356.

Allele frequency attached by ClinVar (database versions not stated): ExAC 0.00001.

Submissions (3):

Ambry Genetics
Classification: Uncertain significance for Hereditary cancer-predisposing syndrome. Last evaluated: 2025-12-11. Review status: criteria provided, single submitter. Criteria: Ambry Variant Classification Scheme 2023. Collection method: clinical testing. Allele origin: germline.

Labcorp Genetics (formerly Invitae), Labcorp
Classification: Uncertain significance for Multiple endocrine neoplasia type 4. Last evaluated: 2025-01-30. Review status: criteria provided, single submitter. Criteria: Invitae Variant Classification Sherloc (09022015). Collection method: clinical testing. Allele origin: germline.
Comment: This sequence change replaces asparagine, which is neutral and polar, with lysine, which is basic and polar, at codon 124 of the CDKN1B protein (p.Asn124Lys). This variant is present in population databases (rs760081465, gnomAD 0.0009%). This variant has not been reported in the literature in individuals affected with CDKN1B-related conditions. ClinVar contains an entry for this variant (Variation ID: 578370). An algorithm developed to predict the effect of missense changes on protein structure and function (PolyPhen-2) suggests that this variant is likely to be tolerated. In summary, the available evidence is currently insufficient to determine the role of this variant in disease. Therefore, it has been classified as a Variant of Uncertain Significance.

Baylor Genetics
Classification: Uncertain significance for Multiple endocrine neoplasia type 4. Last evaluated: 2023-06-09. Review status: criteria provided, single submitter. Criteria: ACMG Guidelines, 2015. Collection method: clinical testing. Allele origin: unknown.